The following is an entry in ClinVar:

ClinVar aggregate classification (germline): Likely benign. Review status: criteria provided, multiple submitters, no conflicts (2 of 4 stars). 4 submissions from 4 submitters: Likely benign (3). 1 of the submissions does not count toward it. Last evaluated 2026-01-14.

Conditions:
Autoimmune enteropathy and endocrinopathy - susceptibility to chronic infections syndrome. Also called: Immunodeficiency 31C; Immunodeficiency 31C, autosomal dominant. Identifiers: Orphanet 391487, MedGen C3279990, MONDO:0013599, OMIM 614162.
Immunodeficiency 31B. Also called: IMMUNODEFICIENCY 31B, MYCOBACTERIAL AND VIRAL INFECTIONS, AUTOSOMAL RECESSIVE; STAT1 DEFICIENCY, AUTOSOMAL RECESSIVE. Identifiers: Orphanet 391311, MedGen C3151088, MONDO:0013427, OMIM 613796.
Mendelian susceptibility to mycobacterial diseases due to partial STAT1 deficiency. Also called: IMMUNODEFICIENCY 31A, MYCOBACTERIOSIS, AUTOSOMAL DOMINANT; STAT1 DEFICIENCY, AUTOSOMAL DOMINANT; Immunodeficiency 31a. Identifiers: Orphanet 319595, MedGen C4013950, MONDO:0013956, OMIM 614892.
STAT1-related disorder. Also called: STAT1-related condition.

Allele frequency attached by ClinVar (database versions not stated): TOPMed 0.00022; ESP Exome Variant Server 0.00062.
gnomAD v4.1: 553 of 1,614,060 alleles (0.034%); highest among the groups gnomAD compares: Admixed American, 0.047%; no homozygotes.

Submissions (4):

Labcorp Genetics (formerly Invitae), Labcorp
Classification: Likely benign for Mendelian susceptibility to mycobacterial diseases due to partial STAT1 deficiency; Immunodeficiency 31B; Autoimmune enteropathy and endocrinopathy - susceptibility to chronic infections syndrome. Last evaluated: 2026-01-14. Review status: criteria provided, single submitter. Criteria: Invitae Variant Classification Sherloc (09022015). Collection method: clinical testing. Allele origin: germline.

Blueprint Genetics
Classification: Likely benign. Last evaluated: 2024-11-25. Review status: criteria provided, single submitter. Criteria: ACMG Guidelines, 2015. Collection method: clinical testing. Allele origin: germline.

CeGaT Center for Human Genetics Tuebingen
Classification: Likely benign. Last evaluated: 2021-03-01. Review status: criteria provided, single submitter. Criteria: CeGaT Center For Human Genetics Tuebingen Variant Classification Criteria Version 2. Collection method: clinical testing. Allele origin: germline. Affected: yes. Observed: 1 variant allele.

PreventionGenetics, part of Exact Sciences
Classification: Likely benign for STAT1-related condition. Last evaluated: 2024-08-19. Review status: no assertion criteria provided. Collection method: clinical testing. Allele origin: germline. Not counted in ClinVar's aggregate classification.
Comment: This variant is classified as likely benign based on ACMG/AMP sequence variant interpretation guidelines (Richards et al. 2015 PMID: 25741868, with internal and published modifications).

NM_007315.4(STAT1):c.1371G>A (p.Val457=)

Gene: STAT1 (signal transducer and activator of transcription 1; minus strand). Cytogenetic location: 2q32.2.
Variant type: single nucleotide variant.
Coding change: c.1371G>A on transcript NM_007315.4 (MANE Select); coding-DNA position 1371, G replaced by A.
Protein change: p.Val457=; no amino-acid change (valine 457 retained).
Molecular consequence: synonymous variant.
Genome position (GRCh38, 1-based): chr2:190,983,717, C>T on the plus strand (G>A on the coding strand, the complement: STAT1 is on the minus strand). VCF-style: chr2-190983717-C-T. GRCh37 (hg19) VCF-style: chr2-191848443-C-T.
Other names: c.1311G>A, p.Val437= (NM_001384880.1); c.1377G>A, p.Val459= (NM_001384881.1, NM_001384884.1); c.1365G>A, p.Val455= (NM_001384882.1); c.1272G>A, p.Val424= (NM_001384883.1); c.1212G>A, p.Val404= (NM_001384885.1); c.1371G>A, p.Val457= (NM_001384886.1, NM_001384889.1, NM_139266.3); c.1278G>A, p.Val426= (NM_001384887.1); c.1341G>A, p.Val447= (NM_001384888.1); and 2 more.
Identifiers: ClinVar variation 541830 (VCV000541830.45), dbSNP rs144704615, ClinGen allele CA2029941.